The following is an entry in ClinVar:

ClinVar aggregate classification (germline): Benign. Review status: criteria provided, multiple submitters, no conflicts (2 of 4 stars). 2 submissions from 2 submitters: Benign (2). Last evaluated 2019-01-16.

Conditions:
Immunodeficiency 35 (IMD35). Also called: HIES WITH ATYPICAL MYCOBACTERIOSIS, AUTOSOMAL RECESSIVE; HYPER-IgE SYNDROME WITH ATYPICAL MYCOBACTERIOSIS, AUTOSOMAL RECESSIVE; TYK2 DEFICIENCY; Susceptibility to infection due to TYK2 deficiency. Identifiers: Orphanet 331226, MedGen C1969086, MONDO:0012682, OMIM 611521.

Allele frequency attached by ClinVar (database versions not stated): gnomAD 0.02833 and 0.03020; 1000 Genomes Project 0.02975; TOPMed 0.03147; 1000 Genomes Project 30x 0.03232.
gnomAD v4.1: 6,867 of 1,097,606 alleles (0.63%); highest among the groups gnomAD compares: African/African-American, 9.6%; 286 homozygotes.

Submissions (2):

GeneDx
Classification: Benign. Last evaluated: 2019-01-16. Review status: criteria provided, single submitter. Criteria: GeneDx Variant Classification Process June 2021. Collection method: clinical testing. Allele origin: germline. Affected: yes.

Illumina Laboratory Services, Illumina
Classification: Benign for Immunodeficiency 35. Last evaluated: 2018-01-13. Review status: criteria provided, single submitter. Criteria: ICSL Variant Classification Criteria 13 December 2019. Collection method: clinical testing. Allele origin: germline.
Comment: This variant was observed in the ICSL laboratory as part of a predisposition screen in an ostensibly healthy population. It had not been previously curated by ICSL or reported in the Human Gene Mutation Database (HGMD: prior to June 1st, 2018), and was therefore a candidate for classification through an automated scoring system. Utilizing variant allele frequency, disease prevalence and penetrance estimates, and inheritance mode, an automated score was calculated to assess if this variant is too frequent to cause the disease. Based on the score and internal cut-off values, a variant classified as benign is not then subjected to further curation. The score for this variant resulted in a classification of benign for this disease.

NM_003331.5(TYK2):c.*134A>G

Gene: TYK2 (tyrosine kinase 2; minus strand). Cytogenetic location: 19p13.2.
Variant type: single nucleotide variant.
Coding change: c.*134A>G on transcript NM_003331.5 (MANE Select); 134 bases downstream of the stop codon, A replaced by G.
Molecular consequence: 3 prime UTR variant.
Genome position (GRCh38, 1-based): chr19:10,350,700, T>C on the plus strand (A>G on the coding strand, the complement: TYK2 is on the minus strand). VCF-style: chr19-10350700-T-C. GRCh37 (hg19) VCF-style: chr19-10461376-T-C.
Other names: c.*134A>G (LRG_121t1).
Identifiers: ClinVar variation 327933 (VCV000327933.8), dbSNP rs12720334, ClinGen allele CA10652181.